The following is an entry in ClinVar:

NM_005996.4(TBX3):c.1069G>C (p.Ala357Pro)

Gene: TBX3 (T-box transcription factor 3; minus strand). Cytogenetic location: 12q24.21.
Variant type: single nucleotide variant.
Coding change: c.1069G>C on transcript NM_005996.4 (MANE Select); coding-DNA position 1069, G replaced by C.
Protein change: p.Ala357Pro; replaces alanine 357 with proline.
Molecular consequence: missense variant.
Genome position (GRCh38, 1-based): chr12:114,674,806, C>G on the plus strand (G>C on the coding strand, the complement: TBX3 is on the minus strand). VCF-style: chr12-114674806-C-G. GRCh37 (hg19) VCF-style: chr12-115112611-C-G.
Other names: c.1129G>C, p.Ala377Pro (NM_016569.4); c.1069G>C (NM_005996.3); short protein forms A357P, A377P.
Identifiers: ClinVar variation 2199042 (VCV002199042.5), dbSNP rs780968472, ClinGen allele CA6810007.

ClinVar aggregate classification (germline): Uncertain significance. Review status: criteria provided, multiple submitters, no conflicts (2 of 4 stars). 2 submissions from 2 submitters: Uncertain significance (2). Last evaluated 2025-06-03.

Conditions:
Ulnar-mammary syndrome (UMS). Also called: Ulnar-mammary syndrome of Pallister; SCHINZEL SYNDROME; PALLISTER ULNAR-MAMMARY SYNDROME. Identifiers: Orphanet 3138, MedGen C1866994, MONDO:0008411, OMIM 181450.
Inborn genetic diseases. Identifiers: MedGen C0950123, MeSH D030342.

Allele frequency attached by ClinVar (database versions not stated): ExAC 0.00073.
gnomAD v4.1: 120 of 1,578,646 alleles (0.0076%); highest among the groups gnomAD compares: Non-Finnish European, 0.0086%; no homozygotes.

Submissions (2):

Ambry Genetics
Classification: Uncertain significance for Inborn genetic diseases. Last evaluated: 2025-06-03. Review status: criteria provided, single submitter. Criteria: Ambry Variant Classification Scheme 2023. Collection method: clinical testing. Allele origin: germline.

Labcorp Genetics (formerly Invitae), Labcorp
Classification: Uncertain significance for Ulnar-mammary syndrome. Last evaluated: 2022-09-18. Review status: criteria provided, single submitter. Criteria: Invitae Variant Classification Sherloc (09022015). Collection method: clinical testing. Allele origin: germline.
Comment: In summary, the available evidence is currently insufficient to determine the role of this variant in disease. Therefore, it has been classified as a Variant of Uncertain Significance. Algorithms developed to predict the effect of missense changes on protein structure and function (SIFT, PolyPhen-2, Align-GVGD) all suggest that this variant is likely to be tolerated. This variant has not been reported in the literature in individuals affected with TBX3-related conditions. This variant is present in population databases (rs780968472, gnomAD 0.05%), and has an allele count higher than expected for a pathogenic variant. This sequence change replaces alanine, which is neutral and non-polar, with proline, which is neutral and non-polar, at codon 357 of the TBX3 protein (p.Ala357Pro).